The following is an entry in ClinVar:

ClinVar aggregate classification (germline): Uncertain significance. Review status: criteria provided, multiple submitters, no conflicts (2 of 4 stars). 2 submissions from 2 submitters: Uncertain significance (2). Last evaluated 2025-02-19.

Allele frequency attached by ClinVar (database versions not stated): gnomAD exomes below 0.00001; ExAC 0.00001; gnomAD 0.00004; TOPMed 0.00005.
gnomAD v4.1: 15 of 1,613,420 alleles (0.00093%); highest among the groups gnomAD compares: Admixed American, 0.0033%; no homozygotes.

Submissions (2):

Labcorp Genetics (formerly Invitae), Labcorp
Classification: Uncertain significance. Last evaluated: 2025-02-19. Review status: criteria provided, single submitter. Criteria: Invitae Variant Classification Sherloc (09022015). Collection method: clinical testing. Allele origin: germline.
Comment: This sequence change replaces arginine, which is basic and polar, with glutamine, which is neutral and polar, at codon 550 of the LRRC8A protein (p.Arg550Gln). This variant is present in population databases (rs753446429, gnomAD 0.0009%). This variant has not been reported in the literature in individuals affected with LRRC8A-related conditions. ClinVar contains an entry for this variant (Variation ID: 2177641). An algorithm developed to predict the effect of missense changes on protein structure and function (PolyPhen-2) suggests that this variant is likely to be disruptive. In summary, the available evidence is currently insufficient to determine the role of this variant in disease. Therefore, it has been classified as a Variant of Uncertain Significance.

Blueprint Genetics
Classification: Uncertain significance. Last evaluated: 2023-10-23. Review status: criteria provided, single submitter. Criteria: ACMG Guidelines, 2015. Collection method: clinical testing. Allele origin: germline.

NM_019594.4(LRRC8A):c.1649G>A (p.Arg550Gln)

Gene: LRRC8A (leucine rich repeat containing 8 VRAC subunit A; plus strand). Cytogenetic location: 9q34.11.
Variant type: single nucleotide variant.
Coding change: c.1649G>A on transcript NM_019594.4 (MANE Select); coding-DNA position 1649, G replaced by A.
Protein change: p.Arg550Gln; replaces arginine 550 with glutamine.
Molecular consequence: missense variant.
Genome position (GRCh38, 1-based): chr9:128,908,813, G>A. VCF-style: chr9-128908813-G-A. GRCh37 (hg19) VCF-style: chr9-131671092-G-A.
Other names: c.1649G>A, p.Arg550Gln (NM_001127244.2, NM_001127245.2); short protein forms R550Q.
Identifiers: ClinVar variation 2177641 (VCV002177641.5), dbSNP rs753446429, ClinGen allele CA5270931.